The following is an entry in ClinVar:

NM_014055.4(IFT81):c.1142A>G (p.Asn381Ser)

Gene: IFT81 (intraflagellar transport 81; plus strand). Cytogenetic location: 12q24.11.
Variant type: single nucleotide variant.
Coding change: c.1142A>G on transcript NM_014055.4 (MANE Select); coding-DNA position 1142, A replaced by G.
Protein change: p.Asn381Ser; replaces asparagine 381 with serine.
Molecular consequence: missense variant. On other transcripts: non-coding transcript variant (4).
Genome position (GRCh38, 1-based): chr12:110,163,019, A>G. VCF-style: chr12-110163019-A-G. GRCh37 (hg19) VCF-style: chr12-110600824-A-G.
Other names: c.1142A>G, p.Asn381Ser (NM_001143779.2, NM_001347946.2, NM_031473.4); c.212A>G, p.Asn71Ser (NM_001347947.2, NM_001347948.2); short protein forms N381S, N71S.
Identifiers: ClinVar variation 1043316 (VCV001043316.6), dbSNP rs757229995, ClinGen allele CA6783273.
Genomic context (GRCh38, chr12:110,163,019, plus strand): 5'-AACTTCAGGAGGCCAAGGAGAAGTTAGCCAGCCTAGAGAGAGAAGCATCAGTAAAGAGAA[A>G]TCAGACCCGTGAATTTGATGGTACTGAAGTTTTAAAGGGAGATGAGGTAAGCTGAGCCAT-3'
Protein context (NP_054774.2, residues 371-391): SLEREASVKR[Asn381Ser]QTREFDGTEV

ClinVar aggregate classification (germline): Uncertain significance (1 of 4 stars; one submission).

Allele frequency attached by ClinVar (database versions not stated): gnomAD exomes 0.00001 and 0.00002; ExAC 0.00002.
gnomAD v4.1: 25 of 1,614,062 alleles (0.0015%); highest among the groups gnomAD compares: Non-Finnish European, 0.0019%; no homozygotes.

Submission:

Labcorp Genetics (formerly Invitae), Labcorp
Classification: Uncertain significance. Last evaluated: 2025-02-17. Review status: criteria provided, single submitter. Criteria: Invitae Variant Classification Sherloc (09022015). Collection method: clinical testing. Allele origin: germline.
Comment: This sequence change replaces asparagine, which is neutral and polar, with serine, which is neutral and polar, at codon 381 of the IFT81 protein (p.Asn381Ser). This variant is present in population databases (rs757229995, gnomAD 0.01%). This variant has not been reported in the literature in individuals affected with IFT81-related conditions. ClinVar contains an entry for this variant (Variation ID: 1043316). Invitae Evidence Modeling of protein sequence and biophysical properties (such as structural, functional, and spatial information, amino acid conservation, physicochemical variation, residue mobility, and thermodynamic stability) indicates that this missense variant is not expected to disrupt IFT81 protein function with a negative predictive value of 80%. In summary, the available evidence is currently insufficient to determine the role of this variant in disease. Therefore, it has been classified as a Variant of Uncertain Significance.